The following is an entry in ClinVar:

ClinVar aggregate classification (germline): Uncertain significance (1 of 4 stars; one submission).

gnomAD v4.1: 1 of 1,614,018 alleles (0.000062%); highest among the groups gnomAD compares: Non-Finnish European, 0.000085%; no homozygotes.

Submission:

Ambry Genetics
Classification: Uncertain significance. Last evaluated: 2025-02-15. Review status: criteria provided, single submitter. Criteria: Ambry Variant Classification Scheme 2023. Collection method: clinical testing. Allele origin: germline.
Comment: The p.S393Y variant (also known as c.1178C>A), located in coding exon 2 of the CDK12 gene, results from a C to A substitution at nucleotide position 1178. The serine at codon 393 is replaced by tyrosine, an amino acid with dissimilar properties. This amino acid position is conserved. In addition, the in silico prediction for this alteration is inconclusive. Based on the available evidence, the clinical significance of this variant remains unclear.

NM_016507.4(CDK12):c.1178C>A (p.Ser393Tyr)

Gene: CDK12 (cyclin dependent kinase 12; plus strand). Cytogenetic location: 17q12.
Variant type: single nucleotide variant.
Coding change: c.1178C>A on transcript NM_016507.4 (MANE Select); coding-DNA position 1178, C replaced by A.
Protein change: p.Ser393Tyr; replaces serine 393 with tyrosine.
Molecular consequence: missense variant.
Genome position (GRCh38, 1-based): chr17:39,471,010, C>A. VCF-style: chr17-39471010-C-A. GRCh37 (hg19) VCF-style: chr17-37627263-C-A.
Other names: c.1178C>A, p.Ser393Tyr (NM_015083.4); short protein forms S393Y.
Identifiers: ClinVar variation 3830667 (VCV003830667.1).
Genomic context (GRCh38, chr17:39,471,010, plus strand): 5'-AGAGATCCAGTTCACGCAGTCGTCATTCCAGTATCTCACCTGTCAGGCTTCCACTTAATT[C>A]CAGTCTGGGAGCTGAACTCAGTAGGAAAAAGAAGGAAAGAGCAGCTGCTGCTGCTGCAGC-3'
Protein context (NP_057591.2, residues 383-403): SISPVRLPLN[Ser393Tyr]SLGAELSRKK